The following is an entry in ClinVar:

NM_001267550.2(TTN):c.73060G>T (p.Glu24354Ter)

Genes: TTN-AS1 (TTN antisense RNA 1; plus strand), TTN (titin; minus strand). Cytogenetic location: 2q31.2.
Variant type: single nucleotide variant.
Coding change: c.73060G>T on transcript NM_001267550.2 (MANE Select); coding-DNA position 73060, G replaced by T.
Protein change: p.Glu24354Ter; replaces glutamic acid 24354 with a stop codon.
Molecular consequence: nonsense.
Genome position (GRCh38, 1-based): chr2:178,573,072, C>A on the plus strand (G>T on the coding strand, the complement: TTN is on the minus strand). VCF-style: chr2-178573072-C-A. GRCh37 (hg19) VCF-style: chr2-179437799-C-A.
Other names: c.68137G>T, p.Glu22713Ter (NM_001256850.1); c.45865G>T, p.Glu15289Ter (NM_003319.4); c.65356G>T, p.Glu21786Ter (NM_133378.4); c.46240G>T, p.Glu15414Ter (NM_133432.3); c.46441G>T, p.Glu15481Ter (NM_133437.4); short protein forms E15414*, E15289*, E22713*, E24354*, E15481*, E21786*.
Identifiers: ClinVar variation 4787120 (VCV004787120.1).

ClinVar aggregate classification (germline): Likely pathogenic (1 of 4 stars; one submission).

Conditions:
Autosomal recessive limb-girdle muscular dystrophy type 2J (LGMDR10). Also called: Limb-girdle muscular dystrophy, type 2J; MUSCULAR DYSTROPHY, LIMB-GIRDLE, AUTOSOMAL RECESSIVE 10. Identifiers: Orphanet 140922, MedGen C1837342, MONDO:0012127, OMIM 608807.
Dilated cardiomyopathy 1G (CMD1G). Identifiers: Orphanet 154, MedGen C1858763, MONDO:0011400, OMIM 604145.

Submission:

Labcorp Genetics (formerly Invitae), Labcorp
Classification: Likely pathogenic for Dilated cardiomyopathy 1G; Autosomal recessive limb-girdle muscular dystrophy type 2J. Last evaluated: 2025-12-24. Review status: criteria provided, single submitter. Criteria: Invitae Variant Classification Sherloc (09022015). Collection method: clinical testing. Allele origin: germline.
Comment: This sequence change creates a premature translational stop signal (p.Glu24354*) in the TTN gene. While this is not anticipated to result in nonsense mediated decay, it is expected to create a truncated TTN protein. This variant is not present in population databases (gnomAD no frequency). This variant has not been reported in the literature in individuals affected with TTN-related conditions. This variant is located in the A band of TTN (PMID: 25589632). Truncating variants in this region are significantly overrepresented in patients affected with dilated cardiomyopathy (PMID: 25589632). Truncating variants in this region have also been reported in individuals affected with autosomal recessive centronuclear myopathy (PMID: 23975875). In summary, the currently available evidence indicates that the variant is pathogenic, but additional data are needed to prove that conclusively. Therefore, this variant has been classified as Likely Pathogenic.

Literature cited by the submitters: PubMed 25589632; PubMed 23975875.